The following is an entry in ClinVar:

ClinVar aggregate classification (germline): Conflicting classifications of pathogenicity. Review status: criteria provided, conflicting classifications (1 of 4 stars). 6 submissions from 6 submitters: Uncertain significance (4); Likely benign (1). 1 of the submissions does not count toward it. Last evaluated 2026-02-26.

Conditions:
ZNF407-related disorder. Also called: ZNF407-related condition.

Allele frequency attached by ClinVar (database versions not stated): 1000 Genomes Project 30x 0.00016; gnomAD exomes 0.00019 and 0.00028; 1000 Genomes Project 0.00020; gnomAD 0.00024 and 0.00027; ExAC 0.00030; ESP Exome Variant Server 0.00031; TOPMed 0.00032.
gnomAD v4.1: 333 of 1,605,982 alleles (0.021%); highest among the groups gnomAD compares: Middle Eastern, 0.31%; 2 homozygotes.

Submissions (6):

Ambry Genetics
Classification: Likely benign. Last evaluated: 2026-02-26. Review status: criteria provided, single submitter. Criteria: Ambry Variant Classification Scheme 2023. Collection method: clinical testing. Allele origin: germline.

GeneDx
Classification: Uncertain significance. Last evaluated: 2024-12-12. Review status: criteria provided, single submitter. Criteria: GeneDx Variant Classification Process June 2021. Collection method: clinical testing. Allele origin: germline. Affected: yes.
Comment: Reported previously in the heterozygous state in a proband from a cohort of individuals with intellectual disability; inherited form an unaffected mother (PMID: 25356899); In silico analysis indicates that this missense variant does not alter protein structure/function; This variant is associated with the following publications: (PMID: 25356899)

Blueprint Genetics
Classification: Uncertain significance. Last evaluated: 2024-11-13. Review status: criteria provided, single submitter. Criteria: ACMG Guidelines, 2015. Collection method: clinical testing. Allele origin: germline.

Genetic Services Laboratory, University of Chicago
Classification: Uncertain significance. Last evaluated: 2015-04-23. Review status: criteria provided, single submitter. Criteria: ACMG Guidelines, 2015. Collection method: clinical testing. Allele origin: germline.

Breakthrough Genomics
Classification: Uncertain significance. Review status: criteria provided, single submitter. Criteria: ACMG Guidelines, 2015. Collection method: not provided. Allele origin: germline. Inheritance: Autosomal recessive inheritance. Affected: yes.

PreventionGenetics, part of Exact Sciences
Classification: Likely benign for ZNF407-related condition. Last evaluated: 2024-09-17. Review status: no assertion criteria provided. Collection method: clinical testing. Allele origin: germline. Not counted in ClinVar's aggregate classification.
Comment: This variant is classified as likely benign based on ACMG/AMP sequence variant interpretation guidelines (Richards et al. 2015 PMID: 25741868, with internal and published modifications).

Literature cited by the submitters: PubMed 28518168 (cited by Ambry Genetics); PubMed 32461654 (cited by Ambry Genetics).

NM_017757.3(ZNF407):c.6301G>A (p.Gly2101Ser)

Gene: ZNF407 (zinc finger protein 407; plus strand). Cytogenetic location: 18q22.3.
Variant type: single nucleotide variant.
Coding change: c.6301G>A on transcript NM_017757.3 (MANE Select); coding-DNA position 6301, G replaced by A.
Protein change: p.Gly2101Ser; replaces glycine 2101 with serine.
Molecular consequence: missense variant.
Genome position (GRCh38, 1-based): chr18:75,064,022, G>A. VCF-style: chr18-75064022-G-A. GRCh37 (hg19) VCF-style: chr18-72775978-G-A.
Other names: c.6301G>A, p.Gly2101Ser (NM_001384475.1); short protein forms G2101S.
Identifiers: ClinVar variation 212680 (VCV000212680.14), dbSNP rs200271129, ClinGen allele CA205710.